The following is an entry in ClinVar:

NM_000748.3(CHRNB2):c.255+6C>T

Gene: CHRNB2 (cholinergic receptor nicotinic beta 2 subunit; plus strand). Cytogenetic location: 1q21.3.
Variant type: single nucleotide variant.
Coding change: c.255+6C>T on transcript NM_000748.3 (MANE Select); 6 bases into the intron after coding-DNA position 255, C replaced by T.
Molecular consequence: intron variant.
Genome position (GRCh38, 1-based): chr1:154,569,842, C>T. VCF-style: chr1-154569842-C-T. GRCh37 (hg19) VCF-style: chr1-154542318-C-T.
Identifiers: ClinVar variation 565517 (VCV000565517.11), dbSNP rs754415116, ClinGen allele CA1130666.

ClinVar aggregate classification (germline): Uncertain significance (1 of 4 stars; one submission).

Conditions:
Familial sleep-related hypermotor epilepsy. Also called: Autosomal Dominant Sleep-Related Hypermotor (Hyperkinetic) Epilepsy. Identifiers: Orphanet 98784, MedGen C3696898, MONDO:0000030.

Allele frequency attached by ClinVar (database versions not stated): ExAC 0.00002; gnomAD 0.00001; TOPMed 0.00002.

Submission:

Labcorp Genetics (formerly Invitae), Labcorp
Classification: Uncertain significance. Last evaluated: 2025-10-16. Review status: criteria provided, single submitter. Criteria: Invitae Variant Classification Sherloc (09022015). Collection method: clinical testing. Allele origin: germline.
Comment: This sequence change falls in intron 3 of the CHRNB2 gene. It does not directly change the encoded amino acid sequence of the CHRNB2 protein. It affects a nucleotide within the consensus splice site. This variant is present in population databases (rs754415116, gnomAD 0.003%). This variant has not been reported in the literature in individuals affected with CHRNB2-related conditions. ClinVar contains an entry for this variant (Variation ID: 565517). Variants that disrupt the consensus splice site are a relatively common cause of aberrant splicing (PMID: 17576681, 9536098). Algorithms developed to predict the effect of sequence changes on RNA splicing suggest that this variant is not likely to affect RNA splicing. In summary, the available evidence is currently insufficient to determine the role of this variant in disease. Therefore, it has been classified as a Variant of Uncertain Significance.

Literature cited by the submitters: PubMed 17576681; PubMed 9536098.